The following is an entry in ClinVar:

NM_005908.4(MANBA):c.177+4T>A

Genes: MANBA (mannosidase beta; minus strand), LOC129992886 (ATAC-STARR-seq lymphoblastoid active region 21757; plus strand). Cytogenetic location: 4q24.
Variant type: single nucleotide variant.
Coding change: c.177+4T>A on transcript NM_005908.4 (MANE Select); 4 bases into the intron after coding-DNA position 177, T replaced by A.
Molecular consequence: intron variant.
Genome position (GRCh38, 1-based): chr4:102,760,714, A>T on the plus strand (T>A on the coding strand, the complement: MANBA is on the minus strand). VCF-style: chr4-102760714-A-T. GRCh37 (hg19) VCF-style: chr4-103681871-A-T.
Identifiers: ClinVar variation 2106505 (VCV002106505.4), dbSNP rs755493385, ClinGen allele CA103133992.
Genomic context (GRCh38, chr4:102,760,714, plus strand): 5'-GGGCCCCTCTCAGCACCAGAAGAAGGCGGGCGCAGGCTCGCCGCGGGTCGGCCGCACGCC[A>T]TACCTGGATCAGGCCCTGCTGGAACAAGGCGCTGTGCACGCAGCCAGGGACCGCCCCGGG-3'

ClinVar aggregate classification (germline): Uncertain significance (1 of 4 stars; one submission).

Conditions:
Beta-D-mannosidosis (MANSB). Also called: Beta-Mannosidosis; MANNOSIDOSIS, BETA A, LYSOSOMAL; BETA-MANNOSIDASE DEFICIENCY; LYSOSOMAL BETA-MANNOSIDASE DEFICIENCY. Identifiers: Orphanet 118, MedGen C4048196, MONDO:0009562, OMIM 248510.

gnomAD v4.1: 11 of 1,532,972 alleles (0.00072%); highest among the groups gnomAD compares: African/African-American, 0.0014%; no homozygotes.

Submission:

Labcorp Genetics (formerly Invitae), Labcorp
Classification: Uncertain significance for Beta-D-mannosidosis. Last evaluated: 2025-02-04. Review status: criteria provided, single submitter. Criteria: Invitae Variant Classification Sherloc (09022015). Collection method: clinical testing. Allele origin: germline.
Comment: This sequence change falls in intron 1 of the MANBA gene. It does not directly change the encoded amino acid sequence of the MANBA protein. It affects a nucleotide within the consensus splice site. This variant is not present in population databases (gnomAD no frequency). This variant has not been reported in the literature in individuals affected with MANBA-related conditions. ClinVar contains an entry for this variant (Variation ID: 2106505). Variants that disrupt the consensus splice site are a relatively common cause of aberrant splicing (PMID: 17576681, 9536098). Algorithms developed to predict the effect of sequence changes on RNA splicing suggest that this variant is not likely to affect RNA splicing. In summary, the available evidence is currently insufficient to determine the role of this variant in disease. Therefore, it has been classified as a Variant of Uncertain Significance.

Literature cited by the submitters: PubMed 17576681; PubMed 9536098.